The following is an entry in ClinVar:

NM_016222.4(DDX41):c.304_305delinsGC (p.Lys102Ala)

Gene: DDX41 (DEAD-box helicase 41; minus strand). Cytogenetic location: 5q35.3.
Variant type: Indel.
Coding change: c.304_305delinsGC on transcript NM_016222.4 (MANE Select); coding-DNA positions 304 to 305, AA replaced by GC.
Protein change: p.Lys102Ala; replaces lysine 102 with alanine.
Molecular consequence: missense variant. On other transcripts: 5 prime UTR variant (2).
Genome position (GRCh38, 1-based): chr5:177,516,187-177,516,188, TT replaced by GC on the plus strand (AA replaced by GC on the coding strand, the reverse complement: DDX41 is on the minus strand). VCF-style: chr5-177516187-TT-GC. GRCh37 (hg19) VCF-style: chr5-176943188-TT-GC.
Other names: c.-75_-74delinsGC (NM_001321732.2, NM_001321830.2); short protein forms K102A.
Identifiers: ClinVar variation 4869692 (VCV004869692.1).

ClinVar aggregate classification (germline): Uncertain significance (1 of 4 stars; one submission).

Conditions:
Inborn genetic diseases. Identifiers: MedGen C0950123, MeSH D030342.

Submission:

Ambry Genetics
Classification: Uncertain significance for Inborn genetic diseases. Last evaluated: 2026-06-01. Review status: criteria provided, single submitter. Criteria: Ambry Variant Classification Scheme 2023. Collection method: clinical testing. Allele origin: germline.
Comment: The c.304_305delAAinsGC variant (also known as p.K102A), located in coding exon 4 of the DDX41 gene, results from an in-frame deletion of AA and insertion of GC at nucleotide positions 304 to 305. This results in the substitution of the lysine residue for an alanine residue at codon 102, an amino acid with dissimilar properties. This amino acid position is highly conserved in available vertebrate species. In addition, the in silico prediction for this variant is inconclusive (Choi Y et al. PLoS ONE. 2012; 7(10):e46688). Based on the available evidence, the clinical significance of this variant remains unclear.